The following is an entry in ClinVar:

NM_001999.4(FBN2):c.160T>A (p.Ser54Thr)

Gene: FBN2 (fibrillin 2; minus strand). Cytogenetic location: 5q23.3.
Variant type: single nucleotide variant.
Coding change: c.160T>A on transcript NM_001999.4 (MANE Select); coding-DNA position 160, T replaced by A.
Protein change: p.Ser54Thr; replaces serine 54 with threonine.
Molecular consequence: missense variant.
Genome position (GRCh38, 1-based): chr5:128,537,444, A>T on the plus strand (T>A on the coding strand, the complement: FBN2 is on the minus strand). VCF-style: chr5-128537444-A-T. GRCh37 (hg19) VCF-style: chr5-127873137-A-T.
Other names: c.160T>A (NM_001999.3); short protein forms S54T.
Identifiers: ClinVar variation 3717425 (VCV003717425.4).
Genomic context (GRCh38, chr5:128,537,444, plus strand): 5'-CGCGGCTGGCCACTGCGGCACCCTCCTCGCGATACTCGGGCGCTAGAAACCCGCCTTCAG[A>T]GCCTGCTGTAGCGGACCGAACCTGTTGCGGCGGCGGCTGGGGCCGGGGCGGCTTGGGCGG-3'
Protein context (NP_001990.2, residues 44-64): PQQVRSATAG[Ser54Thr]EGGFLAPEYR

ClinVar aggregate classification (germline): Uncertain significance. Review status: criteria provided, multiple submitters, no conflicts (2 of 4 stars). 3 submissions from 3 submitters: Uncertain significance (3). Last evaluated 2025-07-16.

Conditions:
Congenital contractural arachnodactyly (CCA). Also called: Arthrogryposis, distal, type 9; BEALS SYNDROME; Beals-Hecht syndrome. Identifiers: Orphanet 115, MedGen C0220668, MONDO:0007363, OMIM 121050.
Familial thoracic aortic aneurysm and aortic dissection (TAAD). Also called: Thoracic aortic aneurysms and dissections. Identifiers: Orphanet 91387, MedGen C4707243, MONDO:0019625.

gnomAD v4.1: 4 of 1,608,090 alleles (0.00025%); highest among the groups gnomAD compares: Non-Finnish European, 0.00017%; no homozygotes.

Submissions (3):

Ambry Genetics
Classification: Uncertain significance for Familial thoracic aortic aneurysm and aortic dissection. Last evaluated: 2025-07-16. Review status: criteria provided, single submitter. Criteria: Ambry Variant Classification Scheme 2023. Collection method: clinical testing. Allele origin: germline.
Comment: The p.S54T variant (also known as c.160T>A), located in coding exon 1 of the FBN2 gene, results from a T to A substitution at nucleotide position 160. The serine at codon 54 is replaced by threonine, an amino acid with similar properties. This amino acid position is well conserved in available vertebrate species. In addition, this alteration is predicted to be tolerated by in silico analysis. Based on the available evidence, the clinical significance of this variant remains unclear.

GeneDx
Classification: Uncertain significance. Last evaluated: 2024-09-24. Review status: criteria provided, single submitter. Criteria: GeneDx Variant Classification Process June 2021. Collection method: clinical testing. Allele origin: germline. Affected: yes.
Comment: Not observed at significant frequency in large population cohorts (gnomAD); In silico analysis indicates that this missense variant does not alter protein structure/function; Has not been previously published as pathogenic or benign to our knowledge

Labcorp Genetics (formerly Invitae), Labcorp
Classification: Uncertain significance for Congenital contractural arachnodactyly. Last evaluated: 2024-04-03. Review status: criteria provided, single submitter. Criteria: Invitae Variant Classification Sherloc (09022015). Collection method: clinical testing. Allele origin: germline.
Comment: This sequence change replaces serine, which is neutral and polar, with threonine, which is neutral and polar, at codon 54 of the FBN2 protein (p.Ser54Thr). This variant is not present in population databases (gnomAD no frequency). This variant has not been reported in the literature in individuals affected with FBN2-related conditions. Advanced modeling of protein sequence and biophysical properties (such as structural, functional, and spatial information, amino acid conservation, physicochemical variation, residue mobility, and thermodynamic stability) performed at Invitae indicates that this missense variant is not expected to disrupt FBN2 protein function with a negative predictive value of 95%. In summary, the available evidence is currently insufficient to determine the role of this variant in disease. Therefore, it has been classified as a Variant of Uncertain Significance.